The following is an entry in ClinVar:

NM_000152.5(GAA):c.2198A>G (p.Lys733Arg)

Gene: GAA (alpha glucosidase; plus strand). Cytogenetic location: 17q25.3.
Variant type: single nucleotide variant.
Coding change: c.2198A>G on transcript NM_000152.5 (MANE Select); coding-DNA position 2198, A replaced by G.
Protein change: p.Lys733Arg; replaces lysine 733 with arginine.
Molecular consequence: missense variant.
Genome position (GRCh38, 1-based): chr17:80,116,976, A>G. VCF-style: chr17-80116976-A-G. GRCh37 (hg19) VCF-style: chr17-78090775-A-G.
Other names: c.2198A>G, p.Lys733Arg (NM_001079803.3, NM_001079804.3); c.2198A>G (NM_000152.3); short protein forms K733R.
Identifiers: ClinVar variation 1006719 (VCV001006719.12), dbSNP rs763612880, ClinGen allele CA8815655.
Genomic context (GRCh38, chr17:80,116,976, plus strand): 5'-CAGCCCCATCCCATTCATCACCCGTATGCCTGTGTGCCCATCCCCCTTGCAGGTTCCCCA[A>G]GGACTCTAGCACCTGGACTGTGGACCACCAGCTCCTGTGGGGGGAGGCCCTGCTCATCAC-3'
Protein context (NP_000143.2, residues 723-743): VARPLFLEFP[Lys733Arg]DSSTWTVDHQ

ClinVar aggregate classification (germline): Uncertain significance. Review status: criteria provided, multiple submitters, no conflicts (2 of 4 stars). 4 submissions from 4 submitters: Uncertain significance (3). 1 of the submissions does not count toward it. Last evaluated 2023-11-14.

Conditions:
Cardiovascular phenotype. Identifiers: MedGen CN230736.
Glycogen storage disease, type II (IOPD). Also called: GLYCOGENOSIS, GENERALIZED, CARDIAC FORM; GSD II; Glycogen storage disease type 2; Acid maltase deficiency disease; Aglucosidase alfa; Deficiency of alpha-glucosidase. Identifiers: Orphanet 365, MedGen C0017921, MONDO:0009290, OMIM 232300.

Allele frequency attached by ClinVar (database versions not stated): gnomAD exomes below 0.00001; ExAC 0.00001; gnomAD 0.00001; TOPMed 0.00001.
gnomAD v4.1: 1 of 1,613,622 alleles (0.000062%); highest among the groups gnomAD compares: African/African-American, 0.0013%; no homozygotes.

Submissions (4):

Ambry Genetics
Classification: Uncertain significance for Cardiovascular phenotype. Last evaluated: 2023-11-14. Review status: criteria provided, single submitter. Criteria: Ambry Variant Classification Scheme 2023. Collection method: clinical testing. Allele origin: germline.
Comment: The p.K733R variant (also known as c.2198A>G), located in coding exon 15 of the GAA gene, results from an A to G substitution at nucleotide position 2198. The lysine at codon 733 is replaced by arginine, an amino acid with highly similar properties. This amino acid position is conserved. In addition, this alteration is predicted to be tolerated by in silico analysis. Since supporting evidence is limited at this time, the clinical significance of this alteration remains unclear.

Labcorp Genetics (formerly Invitae), Labcorp
Classification: Uncertain significance for Glycogen storage disease, type II. Last evaluated: 2022-06-27. Review status: criteria provided, single submitter. Criteria: Invitae Variant Classification Sherloc (09022015). Collection method: clinical testing. Allele origin: germline.
Comment: This sequence change replaces lysine, which is basic and polar, with arginine, which is basic and polar, at codon 733 of the GAA protein (p.Lys733Arg). This variant is present in population databases (rs763612880, gnomAD 0.005%). This variant has not been reported in the literature in individuals affected with GAA-related conditions. ClinVar contains an entry for this variant (Variation ID: 1006719). Advanced modeling of protein sequence and biophysical properties (such as structural, functional, and spatial information, amino acid conservation, physicochemical variation, residue mobility, and thermodynamic stability) performed at Invitae indicates that this missense variant is not expected to disrupt GAA protein function. Algorithms developed to predict the effect of sequence changes on RNA splicing suggest that this variant may create or strengthen a splice site. In summary, the available evidence is currently insufficient to determine the role of this variant in disease. Therefore, it has been classified as a Variant of Uncertain Significance.

Fulgent Genetics
Classification: Uncertain significance for Glycogen storage disease, type II. Last evaluated: 2021-11-10. Review status: criteria provided, single submitter. Criteria: ACMG Guidelines, 2015. Collection method: clinical testing. Allele origin: unknown.

Natera, Inc.
Classification: Uncertain significance for Glycogen storage disease type II. Last evaluated: 2021-03-10. Review status: no assertion criteria provided. Collection method: clinical testing. Allele origin: germline. Not counted in ClinVar's aggregate classification.